The following is an entry in ClinVar:

NM_021020.5(LZTS1):c.1516C>T (p.Arg506Trp)

Gene: LZTS1 (leucine zipper tumor suppressor 1; minus strand). Cytogenetic location: 8p21.3.
Variant type: single nucleotide variant.
Coding change: c.1516C>T on transcript NM_021020.5 (MANE Select); coding-DNA position 1516, C replaced by T.
Protein change: p.Arg506Trp; replaces arginine 506 with tryptophan.
Molecular consequence: missense variant.
Genome position (GRCh38, 1-based): chr8:20,249,997, G>A on the plus strand (C>T on the coding strand, the complement: LZTS1 is on the minus strand). VCF-style: chr8-20249997-G-A. GRCh37 (hg19) VCF-style: chr8-20107508-G-A.
Other names: c.1516C>T, p.Arg506Trp (NM_001362884.2); short protein forms R506W.
Identifiers: ClinVar variation 1955097 (VCV001955097.5), dbSNP rs759721425, ClinGen allele CA173399110.

ClinVar aggregate classification (germline): Uncertain significance (1 of 4 stars; one submission).

Allele frequency attached by ClinVar (database versions not stated): TOPMed 0.00001; gnomAD 0.00002.
gnomAD v4.1: 15 of 1,613,054 alleles (0.00093%); highest among the groups gnomAD compares: South Asian, 0.0055%; no homozygotes.

Submission:

Labcorp Genetics (formerly Invitae), Labcorp
Classification: Uncertain significance. Last evaluated: 2025-08-06. Review status: criteria provided, single submitter. Criteria: Invitae Variant Classification Sherloc (09022015). Collection method: clinical testing. Allele origin: germline.
Comment: This sequence change replaces arginine, which is basic and polar, with tryptophan, which is neutral and slightly polar, at codon 506 of the LZTS1 protein (p.Arg506Trp). This variant is present in population databases (no rsID available, gnomAD 0.003%). This variant has not been reported in the literature in individuals affected with LZTS1-related conditions. ClinVar contains an entry for this variant (Variation ID: 1955097). Invitae Evidence Modeling of protein sequence and biophysical properties (such as structural, functional, and spatial information, amino acid conservation, physicochemical variation, residue mobility, and thermodynamic stability) indicates that this missense variant is not expected to disrupt LZTS1 protein function with a negative predictive value of 80%. In summary, the available evidence is currently insufficient to determine the role of this variant in disease. Therefore, it has been classified as a Variant of Uncertain Significance.